The following is an entry in ClinVar:

ClinVar aggregate classification (germline): Uncertain significance. Review status: criteria provided, multiple submitters, no conflicts (2 of 4 stars). 2 submissions from 2 submitters: Uncertain significance (2). Last evaluated 2025-07-16.

Conditions:
Hereditary cancer-predisposing syndrome. Also called: Hereditary Cancer Syndrome; Hereditary neoplastic syndrome; Tumor predisposition; Neoplastic Syndromes, Hereditary. Identifiers: Orphanet 140162, MedGen C0027672, MeSH D009386, MONDO:0015356.

gnomAD v4.1: 3 of 1,613,592 alleles (0.00019%); highest among the groups gnomAD compares: Non-Finnish European, 0.00025%; no homozygotes.

Submissions (2):

Labcorp Genetics (formerly Invitae), Labcorp
Classification: Uncertain significance. Last evaluated: 2025-07-16. Review status: criteria provided, single submitter. Criteria: Invitae Variant Classification Sherloc (09022015). Collection method: clinical testing. Allele origin: germline.
Comment: This sequence change replaces leucine, which is neutral and non-polar, with proline, which is neutral and non-polar, at codon 1546 of the POLE protein (p.Leu1546Pro). This variant is not present in population databases (gnomAD no frequency). This variant has not been reported in the literature in individuals affected with POLE-related conditions. ClinVar contains an entry for this variant (Variation ID: 841761). Invitae Evidence Modeling of protein sequence and biophysical properties (such as structural, functional, and spatial information, amino acid conservation, physicochemical variation, residue mobility, and thermodynamic stability) indicates that this missense variant is not expected to disrupt POLE protein function with a negative predictive value of 80%. In summary, the available evidence is currently insufficient to determine the role of this variant in disease. Therefore, it has been classified as a Variant of Uncertain Significance.

Ambry Genetics
Classification: Uncertain significance for Hereditary cancer-predisposing syndrome. Last evaluated: 2024-04-24. Review status: criteria provided, single submitter. Criteria: Ambry Variant Classification Scheme 2023. Collection method: clinical testing. Allele origin: germline.
Comment: The p.L1546P variant (also known as c.4637T>C), located in coding exon 36 of the POLE gene, results from a T to C substitution at nucleotide position 4637. The leucine at codon 1546 is replaced by proline, an amino acid with similar properties. This amino acid position is conserved. In addition, the in silico prediction for this alteration is inconclusive. Based on the available evidence, the clinical significance of this variant remains unclear.

NM_006231.4(POLE):c.4637T>C (p.Leu1546Pro)

Gene: POLE (DNA polymerase epsilon, catalytic subunit; minus strand). Cytogenetic location: 12q24.33.
Variant type: single nucleotide variant.
Coding change: c.4637T>C on transcript NM_006231.4 (MANE Select); coding-DNA position 4637, T replaced by C.
Protein change: p.Leu1546Pro; replaces leucine 1546 with proline.
Molecular consequence: missense variant.
Genome position (GRCh38, 1-based): chr12:132,642,911, A>G on the plus strand (T>C on the coding strand, the complement: POLE is on the minus strand). VCF-style: chr12-132642911-A-G. GRCh37 (hg19) VCF-style: chr12-133219497-A-G.
Other names: c.4637T>C (NM_006231.2); short protein forms L1546P.
Identifiers: ClinVar variation 841761 (VCV000841761.10), dbSNP rs1565938434, ClinGen allele CA387379062.